The following is an entry in ClinVar:

NM_000785.4(CYP27B1):c.864G>T (p.Glu288Asp)

Gene: CYP27B1 (cytochrome P450 family 27 subfamily B member 1; minus strand). Cytogenetic location: 12q14.1.
Variant type: single nucleotide variant.
Coding change: c.864G>T on transcript NM_000785.4 (MANE Select); coding-DNA position 864, G replaced by T.
Protein change: p.Glu288Asp; replaces glutamic acid 288 with aspartic acid.
Molecular consequence: missense variant.
Genome position (GRCh38, 1-based): chr12:57,764,853, C>A on the plus strand (G>T on the coding strand, the complement: CYP27B1 is on the minus strand). VCF-style: chr12-57764853-C-A. GRCh37 (hg19) VCF-style: chr12-58158636-C-A.
Other names: short protein forms E288D.
Identifiers: ClinVar variation 5040486 (VCV005040486.1).

ClinVar aggregate classification (germline): Likely benign (1 of 4 stars; one submission).

gnomAD v4.1: 2 of 1,614,206 alleles (0.00012%); highest among the groups gnomAD compares: Admixed American, 0.0033%; no homozygotes.

Submission:

CeGaT Center for Human Genetics Tuebingen
Classification: Likely benign. Last evaluated: 2026-07-01. Review status: criteria provided, single submitter. Criteria: CeGaT Center For Human Genetics Tuebingen Variant Classification Criteria Version 2. Collection method: clinical testing. Allele origin: germline. Affected: yes. Observed: 1 variant allele.
Comment: CYP27B1: BP4